The following is an entry in ClinVar:

NM_012470.4(TNPO3):c.893T>C (p.Ile298Thr)

Gene: TNPO3 (transportin 3; minus strand). Cytogenetic location: 7q32.1.
Variant type: single nucleotide variant.
Coding change: c.893T>C on transcript NM_012470.4 (MANE Select); coding-DNA position 893, T replaced by C.
Protein change: p.Ile298Thr; replaces isoleucine 298 with threonine.
Molecular consequence: missense variant. On other transcripts: non-coding transcript variant (18).
Genome position (GRCh38, 1-based): chr7:129,000,547, A>G on the plus strand (T>C on the coding strand, the complement: TNPO3 is on the minus strand). VCF-style: chr7-129000547-A-G. GRCh37 (hg19) VCF-style: chr7-128640601-A-G.
Other names: c.893T>C, p.Ile298Thr (NM_001191028.3, NM_001382216.1, NM_001382218.1 and 4 more transcripts); c.974T>C, p.Ile325Thr (NM_001382217.1); c.749T>C, p.Ile250Thr (NM_001382221.1); short protein forms I325T, I250T, I298T.
Identifiers: ClinVar variation 2163914 (VCV002163914.4), dbSNP rs2536245258, ClinGen allele CA369238266.

ClinVar aggregate classification (germline): Uncertain significance (1 of 4 stars; one submission).

Conditions:
Autosomal dominant limb-girdle muscular dystrophy type 1F (LGMDD2). Also called: Limb-girdle muscular dystrophy, type 1F; MUSCULAR DYSTROPHY, LIMB-GIRDLE, AUTOSOMAL DOMINANT 2. Identifiers: Orphanet 55595, MedGen C1842062, MONDO:0012034, OMIM 608423.

Submission:

Labcorp Genetics (formerly Invitae), Labcorp
Classification: Uncertain significance for Autosomal dominant limb-girdle muscular dystrophy type 1F. Last evaluated: 2022-08-19. Review status: criteria provided, single submitter. Criteria: Invitae Variant Classification Sherloc (09022015). Collection method: clinical testing. Allele origin: germline.
Comment: This variant has not been reported in the literature in individuals affected with TNPO3-related conditions. In summary, the available evidence is currently insufficient to determine the role of this variant in disease. Therefore, it has been classified as a Variant of Uncertain Significance. Algorithms developed to predict the effect of missense changes on protein structure and function (SIFT, PolyPhen-2, Align-GVGD) all suggest that this variant is likely to be disruptive. This variant is not present in population databases (gnomAD no frequency). This sequence change replaces isoleucine, which is neutral and non-polar, with threonine, which is neutral and polar, at codon 298 of the TNPO3 protein (p.Ile298Thr).